The following is an entry in ClinVar:

NM_001042646.3(TRAK1):c.2102C>T (p.Thr701Ile)

Gene: TRAK1 (trafficking kinesin protein 1; plus strand). Cytogenetic location: 3p22.1.
Variant type: single nucleotide variant.
Coding change: c.2102C>T on transcript NM_001042646.3 (MANE Select); coding-DNA position 2102, C replaced by T.
Protein change: p.Thr701Ile; replaces threonine 701 with isoleucine.
Molecular consequence: missense variant. On other transcripts: 3 prime UTR variant (1), non-coding transcript variant (1).
Genome position (GRCh38, 1-based): chr3:42,222,977, C>T. VCF-style: chr3-42222977-C-T. GRCh37 (hg19) VCF-style: chr3-42264469-C-T.
Other names: c.1727C>T, p.Thr576Ile (NM_001349245.1); c.2039C>T, p.Thr680Ile (NM_001349246.2); c.*56C>T (NM_001349247.2); c.1817C>T, p.Thr606Ile (NM_001349248.1); c.1880C>T, p.Thr627Ile (NM_001349249.1); c.1928C>T, p.Thr643Ile (NM_001410741.1); short protein forms T627I, T576I, T606I, T643I, T680I, T701I.
Identifiers: ClinVar variation 1899341 (VCV001899341.2), dbSNP rs1181004826, ClinGen allele CA352249480.

ClinVar aggregate classification (germline): Uncertain significance (1 of 4 stars; one submission).

Allele frequency attached by ClinVar (database versions not stated): gnomAD exomes below 0.00001.
gnomAD v4.1: 2 of 1,614,076 alleles (0.00012%); highest among the groups gnomAD compares: South Asian, 0.0011%; no homozygotes.

Submission:

Labcorp Genetics (formerly Invitae), Labcorp
Classification: Uncertain significance. Last evaluated: 2022-09-27. Review status: criteria provided, single submitter. Criteria: Invitae Variant Classification Sherloc (09022015). Collection method: clinical testing. Allele origin: germline.
Comment: This sequence change replaces threonine, which is neutral and polar, with isoleucine, which is neutral and non-polar, at codon 701 of the TRAK1 protein (p.Thr701Ile). This variant is present in population databases (no rsID available, gnomAD no frequency). This variant has not been reported in the literature in individuals affected with TRAK1-related conditions. Algorithms developed to predict the effect of missense changes on protein structure and function (SIFT, PolyPhen-2, Align-GVGD) all suggest that this variant is likely to be tolerated. In summary, the available evidence is currently insufficient to determine the role of this variant in disease. Therefore, it has been classified as a Variant of Uncertain Significance.